The following is an entry in ClinVar:

ClinVar aggregate classification (germline): Likely pathogenic (1 of 4 stars; one submission).

Conditions:
Autosomal recessive limb-girdle muscular dystrophy type 2J (LGMDR10). Also called: Limb-girdle muscular dystrophy, type 2J; MUSCULAR DYSTROPHY, LIMB-GIRDLE, AUTOSOMAL RECESSIVE 10. Identifiers: Orphanet 140922, MedGen C1837342, MONDO:0012127, OMIM 608807.
Dilated cardiomyopathy 1G (CMD1G). Identifiers: Orphanet 154, MedGen C1858763, MONDO:0011400, OMIM 604145.

Submission:

Labcorp Genetics (formerly Invitae), Labcorp
Classification: Likely pathogenic for Dilated cardiomyopathy 1G; Autosomal recessive limb-girdle muscular dystrophy type 2J. Last evaluated: 2024-10-18. Review status: criteria provided, single submitter. Criteria: Invitae Variant Classification Sherloc (09022015). Collection method: clinical testing. Allele origin: germline.
Comment: This sequence change creates a premature translational stop signal (p.Lys11836*) in the TTN gene. While this is not anticipated to result in nonsense mediated decay, it is expected to create a truncated TTN protein. This variant is not present in population databases (gnomAD no frequency). This variant has not been reported in the literature in individuals affected with TTN-related conditions. Algorithms developed to predict the effect of sequence changes on RNA splicing suggest that this variant may disrupt the consensus splice site. This variant is located in the I band of TTN (PMID: 25589632). Truncating variants in this region have been reported in individuals affected with autosomal recessive centronuclear myopathy (PMID: 23975875, internal data). Truncating variants in this region have also been identified in individuals affected with autosomal dominant dilated cardiomyopathy and/or cardio-related conditions (PMID: 27869827, 32964742, internal data). In summary, the currently available evidence indicates that the variant is pathogenic, but additional data are needed to prove that conclusively. Therefore, this variant has been classified as Likely Pathogenic.

Literature cited by the submitters: PubMed 25589632; PubMed 23975875; PubMed 27869827; PubMed 32964742.

NM_001267550.2(TTN):c.35506A>T (p.Lys11836Ter)

Gene: TTN (titin; minus strand). Cytogenetic location: 2q31.2.
Variant type: single nucleotide variant.
Coding change: c.35506A>T on transcript NM_001267550.2 (MANE Select); coding-DNA position 35506, A replaced by T.
Protein change: p.Lys11836Ter; replaces lysine 11836 with a stop codon.
Molecular consequence: nonsense. On other transcripts: intron variant (5).
Genome position (GRCh38, 1-based): chr2:178,669,412, T>A on the plus strand (A>T on the coding strand, the complement: TTN is on the minus strand). VCF-style: chr2-178669412-T-A. GRCh37 (hg19) VCF-style: chr2-179534139-T-A.
Other names: c.13283-27095A>T (NM_003319.4); c.13859-27095A>T (NM_133437.4); c.13658-27095A>T (NM_133432.3); c.31483+806A>T (NM_133378.4); c.34264+806A>T (NM_001256850.1); short protein forms K11836*.
Identifiers: ClinVar variation 3752504 (VCV003752504.2).